The following is an entry in ClinVar:

ClinVar aggregate classification (germline): Uncertain significance (1 of 4 stars; one submission).

Allele frequency attached by ClinVar (database versions not stated): gnomAD exomes below 0.00001.
gnomAD v4.1: 3 of 1,606,952 alleles (0.00019%); highest among the groups gnomAD compares: Non-Finnish European, 0.00017%; no homozygotes.

Submission:

Labcorp Genetics (formerly Invitae), Labcorp
Classification: Uncertain significance. Last evaluated: 2022-06-12. Review status: criteria provided, single submitter. Criteria: Invitae Variant Classification Sherloc (09022015). Collection method: clinical testing. Allele origin: germline.
Comment: In summary, the available evidence is currently insufficient to determine the role of this variant in disease. Therefore, it has been classified as a Variant of Uncertain Significance. Algorithms developed to predict the effect of missense changes on protein structure and function output the following: SIFT: "Tolerated"; PolyPhen-2: "Benign"; Align-GVGD: "Class C0". The valine amino acid residue is found in multiple mammalian species, which suggests that this missense change does not adversely affect protein function. This variant has not been reported in the literature in individuals affected with LRPPRC-related conditions. This variant is not present in population databases (gnomAD no frequency). This sequence change replaces isoleucine, which is neutral and non-polar, with valine, which is neutral and non-polar, at codon 1193 of the LRPPRC protein (p.Ile1193Val).

NM_133259.4(LRPPRC):c.3577A>G (p.Ile1193Val)

Gene: LRPPRC (leucine rich pentatricopeptide repeat containing; minus strand). Cytogenetic location: 2p21.
Variant type: single nucleotide variant.
Coding change: c.3577A>G on transcript NM_133259.4 (MANE Select); coding-DNA position 3577, A replaced by G.
Protein change: p.Ile1193Val; replaces isoleucine 1193 with valine.
Molecular consequence: missense variant.
Genome position (GRCh38, 1-based): chr2:43,899,598, T>C on the plus strand (A>G on the coding strand, the complement: LRPPRC is on the minus strand). VCF-style: chr2-43899598-T-C. GRCh37 (hg19) VCF-style: chr2-44126737-T-C.
Other names: short protein forms I1193V.
Identifiers: ClinVar variation 1977988 (VCV001977988.5), dbSNP rs1670815491, ClinGen allele CA346677072.